The following is an entry in ClinVar:

ClinVar aggregate classification (germline): Uncertain significance (1 of 4 stars; one submission).

Submission:

Dasa
Classification: Uncertain significance. Last evaluated: 2026-06-01. Review status: criteria provided, single submitter. Criteria: DASA Assertion Criteria. Collection method: clinical testing. Allele origin: germline.
Comment: NM_006079.5(CITED2):c.88A>T (p.Met30Leu) is a missense variant that results in the substitution of methionine with leucine. This variant is rare in population databases. The currently available literature and clinical evidence are not sufficient to establish a definitive association between this variant and the reported condition. Therefore, this variant is classified as a variant of uncertain significance.

NM_006079.5(CITED2):c.88A>T (p.Met30Leu)

Gene: CITED2 (Cbp/p300 interacting transactivator with ED-rich tail 2; minus strand). Cytogenetic location: 6q24.1.
Variant type: single nucleotide variant.
Coding change: c.88A>T on transcript NM_006079.5 (MANE Select); coding-DNA position 88, A replaced by T.
Protein change: p.Met30Leu; replaces methionine 30 with leucine.
Molecular consequence: missense variant.
Genome position (GRCh38, 1-based): chr6:139,373,857, T>A on the plus strand (A>T on the coding strand, the complement: CITED2 is on the minus strand). VCF-style: chr6-139373857-T-A. GRCh37 (hg19) VCF-style: chr6-139694994-T-A.
Other names: c.88A>T, p.Met30Leu (NM_001168388.3); c.103A>T, p.Met35Leu (NM_001168389.3); short protein forms M30L, M35L.
Identifiers: ClinVar variation 5020448 (VCV005020448.1).